The following is an entry in ClinVar:

ClinVar aggregate classification (germline): Benign (0 of 4 stars; one submission).

Conditions:
STK36-related disorder. Also called: STK36-related condition.

Allele frequency attached by ClinVar (database versions not stated): gnomAD exomes 0.00117; gnomAD 0.00129; TOPMed 0.00184; ExAC 0.00360; 1000 Genomes Project 30x 0.00609; 1000 Genomes Project 0.00739.
gnomAD v4.1: 1,907 of 1,614,240 alleles (0.12%); highest among the groups gnomAD compares: East Asian, 4%; 45 homozygotes.

Submission:

PreventionGenetics, part of Exact Sciences
Classification: Benign for STK36-related condition. Last evaluated: 2024-01-31. Review status: no assertion criteria provided. Collection method: clinical testing. Allele origin: germline.
Comment: This variant is classified as benign based on ACMG/AMP sequence variant interpretation guidelines (Richards et al. 2015 PMID: 25741868, with internal and published modifications).

NM_015690.5(STK36):c.2328G>A (p.Leu776=)

Gene: STK36 (serine/threonine kinase 36; plus strand). Cytogenetic location: 2q35.
Variant type: single nucleotide variant.
Coding change: c.2328G>A on transcript NM_015690.5 (MANE Select); coding-DNA position 2328, G replaced by A.
Protein change: p.Leu776=; no amino-acid change (leucine 776 retained).
Molecular consequence: synonymous variant.
Genome position (GRCh38, 1-based): chr2:218,693,975, G>A. VCF-style: chr2-218693975-G-A. GRCh37 (hg19) VCF-style: chr2-219558698-G-A.
Other names: c.2328G>A, p.Leu776= (NM_001243313.2, NM_001369423.1).
Identifiers: ClinVar variation 3037906 (VCV003037906.2), dbSNP rs55744350, ClinGen allele CA2111069.
Genomic context (GRCh38, chr2:218,693,975, plus strand): 5'-AGAGTCTACTGAAGTGACACTCTACTTCCTCTCCCTTCTTGTCTTTCGGCTCCAAAACCT[G>A]CCTTGTGGGTAAGTCATAAAGTAGGGTGTCTCCACAGAAGTCTTCTAGCCACATAGCTAA-3'
Protein context (NP_056505.2, residues 766-786): LSLLVFRLQN[Leu776=]PCGMEKLGSD